The following is an entry in ClinVar:

NM_002691.4(POLD1):c.2303_2305del (p.Val768del)

Gene: POLD1 (DNA polymerase delta 1, catalytic subunit; plus strand). Cytogenetic location: 19q13.33.
Variant type: Deletion.
Coding change: c.2303_2305del on transcript NM_002691.4 (MANE Select); coding-DNA positions 2303 to 2305, 3 bases deleted (TGG; older notation c.2303_2305delTGG).
Protein change: p.Val768del; deletes valine 768.
Molecular consequence: inframe deletion. On other transcripts: non-coding transcript variant (1).
Genome position (GRCh38, 1-based): chr19:50,413,794-50,413,796, TGG deleted; deleting any 3 consecutive bases within chr19:50,413,792-50,413,796 gives the same sequence; the c. name uses the placement nearest the transcript's 3' end. VCF-style (leftmost placement, unchanged base first): chr19-50413791-CGGT-C. GRCh37 (hg19) VCF-style: chr19-50917048-CGGT-C.
Other names: c.2303_2305del, p.Val768del (NM_001256849.1); c.2381_2383del, p.Val794del (NM_001308632.1); short protein forms V768del, V794del.
Identifiers: ClinVar variation 1059034 (VCV001059034.12), dbSNP rs2122448240, ClinGen allele CA2499225573.

ClinVar aggregate classification (germline): Uncertain significance. Review status: criteria provided, multiple submitters, no conflicts (2 of 4 stars). 2 submissions from 2 submitters: Uncertain significance (2). Last evaluated 2025-09-10.

Conditions:
Hereditary cancer-predisposing syndrome. Also called: Tumor predisposition; Hereditary Cancer Syndrome; Hereditary neoplastic syndrome; Neoplastic Syndromes, Hereditary. Identifiers: Orphanet 140162, MedGen C0027672, MeSH D009386, MONDO:0015356.
POLD1-related polyposis and colorectal cancer syndrome (CRCS10). Also called: Colorectal cancer 10; COLORECTAL CANCER, SUSCEPTIBILITY TO, ON CHROMOSOME 19q; Colorectal cancer, susceptibility to, 10. Identifiers: Orphanet 220460, MedGen C2675481, MONDO:0012953, OMIM 612591.

Submissions (2):

Ambry Genetics
Classification: Uncertain significance for Hereditary cancer-predisposing syndrome. Last evaluated: 2025-09-10. Review status: criteria provided, single submitter. Criteria: Ambry Variant Classification Scheme 2023. Collection method: clinical testing. Allele origin: germline.
Comment: The c.2303_2305delTGG variant (also known as p.V768del) is located in coding exon 18 of the POLD1 gene. This variant results from an in-frame TGG deletion at nucleotide positions 2303 to 2305. This results in the in-frame deletion of a valine at codon 768. This amino acid position is highly conserved in available vertebrate species. In addition, this variant is predicted to be deleterious by in silico analysis (Choi Y et al. PLoS ONE. 2012; 7(10):e46688). Based on the available evidence, the clinical significance of this variant remains unclear.

Labcorp Genetics (formerly Invitae), Labcorp
Classification: Uncertain significance for POLD1-related polyposis and colorectal cancer syndrome. Last evaluated: 2020-06-15. Review status: criteria provided, single submitter. Criteria: Invitae Variant Classification Sherloc (09022015). Collection method: clinical testing. Allele origin: germline.
Comment: In summary, the available evidence is currently insufficient to determine the role of this variant in disease. Therefore, it has been classified as a Variant of Uncertain Significance. Experimental studies and prediction algorithms are not available or were not evaluated, and the functional significance of this variant is currently unknown. This variant has not been reported in the literature in individuals with POLD1-related conditions. This variant is not present in population databases (ExAC no frequency). This variant, c.2303_2305del, results in the deletion of 1 amino acid(s) of the POLD1 protein (p.Val768del), but otherwise preserves the integrity of the reading frame.